The following is an entry in ClinVar:

ClinVar aggregate classification (germline): Uncertain significance (1 of 4 stars; one submission).

Conditions:
Hyperinsulinemic hypoglycemia, familial, 1 (HHF1). Also called: NESIDIOBLASTOSIS OF PANCREAS; HYPERINSULINISM, FAMILIAL, WITH PANCREATIC NESIDIOBLASTOSIS; HYPOGLYCEMIA, HYPERINSULINEMIC, OF INFANCY; Persistent hyperinsulinemic hypoglycemia of infancy; Persistent Hyperinsulinemia Hypoglycemia of Infancy. Identifiers: Orphanet 276575, Orphanet 276598, MedGen C2931832, MONDO:0009734, OMIM 256450.

Submission:

New York Genome Center
Classification: Uncertain significance for Type 2 diabetes mellitus; Hyperinsulinemic hypoglycemia, familial, 1. Last evaluated: 2022-03-31. Review status: criteria provided, single submitter. Criteria: NYGC Assertion Criteria 2020. Collection method: clinical testing. Allele origin: germline. Observed: 1 heterozygote.
Comment: The c.2864A>T variant in ABCC8 has not previously been reported in the literature or public variant repositories (ClinVar and LOVD), and is absent from populationdatabases (gnomAD v2.1.1 and v3.1.2, TOPMed Freeze 8, All of Us), suggesting it is not a common benign variant in the populations represented in those databases.The c.2864A>T variant is located in exon 22 of this 39-exon gene, and predicted to replace an evolutionarily conserved histidine amino acid with leucine at position 895 in the ABC transporter 1 domain of the encoded protein. In silico predictions are moderately in favor of damaging effect for p.(His895Leu) (CADD v1.6 = 24.6,REVEL = 0.621); however, there are no functional studies to support or refute these predictions. Based on available evidence this c.2684A>Tp.(His895Leu) variant identified in ABCC8 is classified as a Variant of Uncertain Significance.

NM_000352.6(ABCC8):c.2684A>T (p.His895Leu)

Gene: ABCC8 (ATP binding cassette subfamily C member 8; minus strand). Cytogenetic location: 11p15.1.
Variant type: single nucleotide variant.
Coding change: c.2684A>T on transcript NM_000352.6 (MANE Select); coding-DNA position 2684, A replaced by T.
Protein change: p.His895Leu; replaces histidine 895 with leucine.
Molecular consequence: missense variant. On other transcripts: non-coding transcript variant (1).
Genome position (GRCh38, 1-based): chr11:17,410,526, T>A on the plus strand (A>T on the coding strand, the complement: ABCC8 is on the minus strand). VCF-style: chr11-17410526-T-A. GRCh37 (hg19) VCF-style: chr11-17432073-T-A.
Other names: c.2687A>T, p.His896Leu (NM_001287174.3); c.2750A>T, p.His917Leu (NM_001351295.2); c.2684A>T, p.His895Leu (NM_001351296.2); c.2681A>T, p.His894Leu (NM_001351297.2); short protein forms H894L, H895L, H896L, H917L.
Identifiers: ClinVar variation 2502243 (VCV002502243.2), dbSNP rs768566884, ClinGen allele CA379805958.